The following is an entry in ClinVar:

ClinVar aggregate classification (germline): Uncertain significance (1 of 4 stars; one submission).

Conditions:
Neurofibromatosis, type 1 (NF1). Also called: Peripheral type neurofibromatosis; Neurofibromatosis, type I; VON RECKLINGHAUSEN DISEASE; NEUROFIBROMATOSIS, TYPE I, SOMATIC. Identifiers: Orphanet 636, MedGen C0027831, MONDO:0018975, OMIM 162200. Disease mechanism: loss of function.

Submission:

Labcorp Genetics (formerly Invitae), Labcorp
Classification: Uncertain significance for Neurofibromatosis, type 1. Last evaluated: 2025-08-13. Review status: criteria provided, single submitter. Criteria: Invitae Variant Classification Sherloc (09022015). Collection method: clinical testing. Allele origin: germline.
Comment: This sequence change replaces asparagine, which is neutral and polar, with tyrosine, which is neutral and polar, at codon 1934 of the NF1 protein (p.Asn1934Tyr). This variant is not present in population databases (gnomAD no frequency). This variant has not been reported in the literature in individuals affected with NF1-related conditions. ClinVar contains an entry for this variant (Variation ID: 581057). Invitae Evidence Modeling of protein sequence and biophysical properties (such as structural, functional, and spatial information, amino acid conservation, physicochemical variation, residue mobility, and thermodynamic stability) indicates that this missense variant is expected to disrupt NF1 protein function with a positive predictive value of 95%. In summary, the available evidence is currently insufficient to determine the role of this variant in disease. Therefore, it has been classified as a Variant of Uncertain Significance.

NM_001042492.3(NF1):c.5863A>T (p.Asn1955Tyr)

Gene: NF1 (neurofibromin 1; plus strand). Cytogenetic location: 17q11.2.
Variant type: single nucleotide variant.
Coding change: c.5863A>T on transcript NM_001042492.3 (MANE Select); coding-DNA position 5863, A replaced by T.
Protein change: p.Asn1955Tyr; replaces asparagine 1955 with tyrosine.
Molecular consequence: missense variant.
Genome position (GRCh38, 1-based): chr17:31,334,888, A>T. VCF-style: chr17-31334888-A-T. GRCh37 (hg19) VCF-style: chr17-29661906-A-T.
Other names: c.5800A>T, p.Asn1934Tyr (NM_000267.4); short protein forms N1955Y, N1934Y.
Identifiers: ClinVar variation 581057 (VCV000581057.5), dbSNP rs1567615782, ClinGen allele CA399010664.
Genomic context (GRCh38, chr17:31,334,888, plus strand): 5'-TTTTTTCCAGGTATTGAATTGAAACACCTTTGTTTGGAATACATGACTCCATGGCTGTCA[A>T]ATCTAGTTCGTTTTTGCAAGCATAATGATGATGCCAAACGACAAAGAGTTACTGCTATTC-3'
Protein context (NP_001035957.1, residues 1945-1965): CLEYMTPWLS[Asn1955Tyr]LVRFCKHNDD